The following is an entry in ClinVar:

NM_152383.5(DIS3L2):c.1317+15C>G

Gene: DIS3L2 (DIS3 like 3'-5' exoribonuclease 2; plus strand). Cytogenetic location: 2q37.1.
Variant type: single nucleotide variant.
Coding change: c.1317+15C>G on transcript NM_152383.5 (MANE Select); 15 bases into the intron after coding-DNA position 1317, C replaced by G.
Molecular consequence: intron variant.
Genome position (GRCh38, 1-based): chr2:232,238,660, C>G. VCF-style: chr2-232238660-C-G. GRCh37 (hg19) VCF-style: chr2-233103370-C-G.
Other names: c.1317+15C>G (NM_001257281.2).
Identifiers: ClinVar variation 334937 (VCV000334937.13), dbSNP rs553691050, ClinGen allele CA2164106.

ClinVar aggregate classification (germline): Benign/Likely benign. Review status: criteria provided, multiple submitters, no conflicts (2 of 4 stars). 3 submissions from 3 submitters: Benign (1); Likely benign (2). Last evaluated 2026-01-31.

Conditions:
Perlman syndrome (PRLMNS). Identifiers: Orphanet 2849, MedGen C0796113, MONDO:0009965, OMIM 267000.

Allele frequency attached by ClinVar (database versions not stated): gnomAD 0.00001 and 0.00009; TOPMed 0.00004; gnomAD exomes 0.00049; 1000 Genomes Project 30x 0.00062; ExAC 0.00063; 1000 Genomes Project 0.00080.
gnomAD v4.1: 327 of 1,601,492 alleles (0.02%); highest among the groups gnomAD compares: South Asian, 0.34%; 5 homozygotes.

Submissions (3):

Labcorp Genetics (formerly Invitae), Labcorp
Classification: Benign for Perlman syndrome. Last evaluated: 2026-01-31. Review status: criteria provided, single submitter. Criteria: Invitae Variant Classification Sherloc (09022015). Collection method: clinical testing. Allele origin: germline.

Blueprint Genetics
Classification: Likely benign. Last evaluated: 2024-06-26. Review status: criteria provided, single submitter. Criteria: ACMG Guidelines, 2015. Collection method: clinical testing. Allele origin: germline.

Illumina Laboratory Services, Illumina
Classification: Likely benign for Perlman syndrome. Last evaluated: 2018-01-13. Review status: criteria provided, single submitter. Criteria: ICSL Variant Classification Criteria 13 December 2019. Collection method: clinical testing. Allele origin: germline.
Comment: This variant was observed in the ICSL laboratory as part of a predisposition screen in an ostensibly healthy population. It had not been previously curated by ICSL or reported in the Human Gene Mutation Database (HGMD: prior to June 1st, 2018), and was therefore a candidate for classification through an automated scoring system. Utilizing variant allele frequency, disease prevalence and penetrance estimates, and inheritance mode, an automated score was calculated to assess if this variant is too frequent to cause the disease. Based on the score and internal cut-off values, a variant classified as likely benign is not then subjected to further curation. The score for this variant resulted in a classification of likely benign for this disease.